The following is an entry in ClinVar:

NM_001040108.2(MLH3):c.2785A>G (p.Lys929Glu)

Gene: MLH3 (mutL homolog 3; minus strand). Cytogenetic location: 14q24.3.
Variant type: single nucleotide variant.
Coding change: c.2785A>G on transcript NM_001040108.2 (MANE Select); coding-DNA position 2785, A replaced by G.
Protein change: p.Lys929Glu; replaces lysine 929 with glutamic acid.
Molecular consequence: missense variant.
Genome position (GRCh38, 1-based): chr14:75,046,871, T>C on the plus strand (A>G on the coding strand, the complement: MLH3 is on the minus strand). VCF-style: chr14-75046871-T-C. GRCh37 (hg19) VCF-style: chr14-75513574-T-C.
Other names: c.2785A>G (NM_001040108.1); c.2785A>G, p.Lys929Glu (NM_014381.3); short protein forms K929E.
Identifiers: ClinVar variation 1490664 (VCV001490664.7), dbSNP rs2139555775, ClinGen allele CA390438524.
Genomic context (GRCh38, chr14:75,046,871, plus strand): 5'-TATTAAAGGAATTATCCTGTGTGGCAGAATCTGATGTTGGGATGACACCATTCTCTGTTT[T>C]TTCATGCTTGTTGTTAAATAACATACAAAAATCTTGTGTTAACACACTGCACAACTTGCT-3'
Protein context (NP_001035197.1, residues 919-939): FCMLFNNKHE[Lys929Glu]TENGVIPTSD

ClinVar aggregate classification (germline): Conflicting classifications of pathogenicity. Review status: criteria provided, conflicting classifications (1 of 4 stars). 2 submissions from 2 submitters: Uncertain significance (1); Likely benign (1). Last evaluated 2025-10-31.

Conditions:
Colorectal cancer, hereditary nonpolyposis, type 7. Identifiers: Orphanet 144, MedGen C1858380, MONDO:0013725, OMIM 614385.

Allele frequency attached by ClinVar (database versions not stated): gnomAD exomes below 0.00001.
gnomAD v4.1: 2 of 1,614,114 alleles (0.00012%); highest among the groups gnomAD compares: Non-Finnish European, 0.00017%; no homozygotes.

Submissions (2):

Ambry Genetics
Classification: Likely benign. Last evaluated: 2025-10-31. Review status: criteria provided, single submitter. Criteria: Ambry Variant Classification Scheme 2023. Collection method: clinical testing. Allele origin: germline.

Labcorp Genetics (formerly Invitae), Labcorp
Classification: Uncertain significance for Colorectal cancer, hereditary nonpolyposis, type 7. Last evaluated: 2021-08-24. Review status: criteria provided, single submitter. Criteria: Invitae Variant Classification Sherloc (09022015). Collection method: clinical testing. Allele origin: germline.
Comment: In summary, the available evidence is currently insufficient to determine the role of this variant in disease. Therefore, it has been classified as a Variant of Uncertain Significance. Algorithms developed to predict the effect of missense changes on protein structure and function output the following: SIFT: "Tolerated"; PolyPhen-2: "Benign"; Align-GVGD: "Class C0". The glutamic acid amino acid residue is found in multiple mammalian species, which suggests that this missense change does not adversely affect protein function. This variant has not been reported in the literature in individuals affected with MLH3-related conditions. This variant is not present in population databases (ExAC no frequency). This sequence change replaces lysine with glutamic acid at codon 929 of the MLH3 protein (p.Lys929Glu). The lysine residue is weakly conserved and there is a small physicochemical difference between lysine and glutamic acid.